The following is an entry in ClinVar:

NM_000388.4(CASR):c.517C>T (p.Leu173Phe)

Gene: CASR (calcium sensing receptor; plus strand). Cytogenetic location: 3q21.1.
Variant type: single nucleotide variant.
Coding change: c.517C>T on transcript NM_000388.4 (MANE Select); coding-DNA position 517, C replaced by T.
Protein change: p.Leu173Phe; replaces leucine 173 with phenylalanine.
Molecular consequence: missense variant.
Genome position (GRCh38, 1-based): chr3:122,261,552, C>T. VCF-style: chr3-122261552-C-T. GRCh37 (hg19) VCF-style: chr3-121980399-C-T.
Other names: c.517C>T, p.Leu173Phe (NM_001178065.2); short protein forms L173F.
Identifiers: ClinVar variation 2630391 (VCV002630391.1), dbSNP rs2473225113, ClinGen allele CA354150757.

ClinVar aggregate classification (germline): Likely pathogenic (1 of 4 stars; one submission).

Conditions:
CASR-related disorder. Also called: CASR-related condition.

Submission:

PreventionGenetics, part of Exact Sciences
Classification: Likely pathogenic for CASR-related condition. Last evaluated: 2023-01-26. Review status: criteria provided, single submitter. Criteria: ACMG Guidelines, 2015. Collection method: clinical testing. Allele origin: germline.
Comment: The CASR c.517C>T variant is predicted to result in the amino acid substitution p.Leu173Phe. This variant was reported in an at least one individual with autosomal dominant hypocalcaemia with hypercalciuria (Hannan et al. 2012. PubMed ID: 22422767). Another amino acid substitution at this position (p.Leu173Pro) has also been reported in patients with CASR-related disorders (Felderbauer et al. 2003. PubMed ID: 14641934; Hannan et al. 2012. PubMed ID: 22422767). Functional studies of the p.Leu173Phe indicate that this variant results in enhanced responsiveness to Ca2+ and receptor activation (Zhang et al. 2014. PubMed ID: 25420019). The p.Leu residue resides at the hinge region of the Venus fly trap domain of the CaSR protein (Zhang et al. 2014. PubMed ID: 25420019). This variant has not been reported in a large population database, indicating this variant is rare. This variant is interpreted as likely pathogenic.